The following is an entry in ClinVar:

NM_152564.5(VPS13B):c.11876A>T (p.Glu3959Val)

Gene: VPS13B (vacuolar protein sorting 13 homolog B; plus strand). Cytogenetic location: 8q22.2.
Variant type: single nucleotide variant.
Coding change: c.11876A>T on transcript NM_152564.5 (MANE Select); coding-DNA position 11876, A replaced by T.
Protein change: p.Glu3959Val; replaces glutamic acid 3959 with valine.
Molecular consequence: missense variant.
Genome position (GRCh38, 1-based): chr8:99,875,548, A>T. VCF-style: chr8-99875548-A-T. GRCh37 (hg19) VCF-style: chr8-100887776-A-T.
Other names: c.11951A>T, p.Glu3984Val (NM_017890.5); short protein forms E3959V, E3984V.
Identifiers: ClinVar variation 1462307 (VCV001462307.6), dbSNP rs2130990524, ClinGen allele CA371795853.

ClinVar aggregate classification (germline): Uncertain significance (1 of 4 stars; one submission).

Conditions:
Cohen syndrome (COH1). Also called: PEPPER SYNDROME; Cutis verticis gyrata, retinitis pigmentosa, and sensorineural deafness. Identifiers: Orphanet 193, MedGen C0265223, MONDO:0008999, OMIM 216550.

Submission:

Labcorp Genetics (formerly Invitae), Labcorp
Classification: Uncertain significance for Cohen syndrome. Last evaluated: 2021-08-26. Review status: criteria provided, single submitter. Criteria: Invitae Variant Classification Sherloc (09022015). Collection method: clinical testing. Allele origin: germline.
Comment: In summary, the available evidence is currently insufficient to determine the role of this variant in disease. Therefore, it has been classified as a Variant of Uncertain Significance. Algorithms developed to predict the effect of missense changes on protein structure and function are either unavailable or do not agree on the potential impact of this missense change (SIFT: "Not Available"; PolyPhen-2: "Benign"; Align-GVGD: "Not Available"). This variant has not been reported in the literature in individuals affected with VPS13B-related conditions. This variant is not present in population databases (ExAC no frequency). This sequence change replaces glutamic acid with valine at codon 3984 of the VPS13B protein (p.Glu3984Val). The glutamic acid residue is moderately conserved and there is a moderate physicochemical difference between glutamic acid and valine.